The following is an entry in ClinVar:

NM_003072.5(SMARCA4):c.1409A>T (p.Gln470Leu)

Gene: SMARCA4 (SWI/SNF related BAF chromatin remodeling complex subunit ATPase 4; plus strand). Cytogenetic location: 19p13.2.
Variant type: single nucleotide variant.
Coding change: c.1409A>T on transcript NM_003072.5 (MANE Select); coding-DNA position 1409, A replaced by T.
Protein change: p.Gln470Leu; replaces glutamine 470 with leucine.
Molecular consequence: missense variant. On other transcripts: non-coding transcript variant (1).
Genome position (GRCh38, 1-based): chr19:10,991,313, A>T. VCF-style: chr19-10991313-A-T. GRCh37 (hg19) VCF-style: chr19-11101989-A-T.
Other names: c.1409A>T, p.Gln470Leu (NM_001128844.3, NM_001128845.2, NM_001128846.2 and 6 more transcripts); short protein forms Q470L.
Identifiers: ClinVar variation 2846491 (VCV002846491.3), dbSNP rs2145882650, ClinGen allele CA404061128.

ClinVar aggregate classification (germline): Uncertain significance (1 of 4 stars; one submission).

Conditions:
Rhabdoid tumor predisposition syndrome 2 (RTPS2). Identifiers: Orphanet 231108, Orphanet 69077, MedGen C2750074, MONDO:0013224, OMIM 613325.

Submission:

Labcorp Genetics (formerly Invitae), Labcorp
Classification: Uncertain significance for Rhabdoid tumor predisposition syndrome 2. Last evaluated: 2023-03-26. Review status: criteria provided, single submitter. Criteria: Invitae Variant Classification Sherloc (09022015). Collection method: clinical testing. Allele origin: germline.
Comment: In summary, the available evidence is currently insufficient to determine the role of this variant in disease. Therefore, it has been classified as a Variant of Uncertain Significance. Advanced modeling of protein sequence and biophysical properties (such as structural, functional, and spatial information, amino acid conservation, physicochemical variation, residue mobility, and thermodynamic stability) has been performed at Invitae for this missense variant, however the output from this modeling did not meet the statistical confidence thresholds required to predict the impact of this variant on SMARCA4 protein function. This variant has not been reported in the literature in individuals affected with SMARCA4-related conditions. This variant is not present in population databases (gnomAD no frequency). This sequence change replaces glutamine, which is neutral and polar, with leucine, which is neutral and non-polar, at codon 470 of the SMARCA4 protein (p.Gln470Leu).